The following is an entry in ClinVar:

ClinVar aggregate classification (germline): Uncertain significance. Review status: criteria provided, multiple submitters, no conflicts (2 of 4 stars). 5 submissions from 5 submitters: Uncertain significance (5). Last evaluated 2026-01-27.

Conditions:
Hereditary cancer-predisposing syndrome. Also called: Neoplastic Syndromes, Hereditary; Hereditary Cancer Syndrome; Tumor predisposition; Hereditary neoplastic syndrome. Identifiers: Orphanet 140162, MedGen C0027672, MeSH D009386, MONDO:0015356.
RET-related disorder. Also called: RET-related disorders; RET-related condition; RET-related disease.
Hirschsprung disease, susceptibility to, 1 (HSCR1). Also called: RET-Related Hirschsprung Disease. Identifiers: Orphanet 388, MedGen C3888239, MONDO:0007723, OMIM 142623.
Multiple endocrine neoplasia type 2B. Also called: MEN 2B; MUCOSAL NEUROMA SYNDROME; Multiple endocrine neoplasia, type 3; MULTIPLE ENDOCRINE NEOPLASIA, TYPE IIB; Multiple Endocrine Neoplasia Type 2B (MEN2B); MEN IIB. Identifiers: Orphanet 247709, Orphanet 653, MedGen C0025269, MeSH D018814, MONDO:0008082, OMIM 162300.
Pheochromocytoma. Also called: MAX-Related Hereditary Paraganglioma-Pheochromocytoma Syndrome. Identifiers: Orphanet 29072, MedGen C0031511, MONDO:0008233, OMIM 171300, HP:0002666.
Familial medullary thyroid carcinoma (MTC). Also called: Thyroid cancer, familial medullary; MTC, familial; Familial Medullary Thyroid Carcinoma (FMTC). Identifiers: Orphanet 653, Orphanet 99361, MedGen C1833921, MONDO:0007958, OMIM 155240.
Multiple endocrine neoplasia type 2A. Also called: MULTIPLE ENDOCRINE NEOPLASIA, TYPE IIA; PTC SYNDROME; SIPPLE SYNDROME; MEN 2A; MEN-2A syndrome; Pheochromocytoma and amyloid producing medullary thyroid carcinoma. Identifiers: Orphanet 247698, Orphanet 653, MedGen C0025268, MeSH D018813, MONDO:0008234, OMIM 171400.
Multiple endocrine neoplasia, type 2 (MEN2). Identifiers: Orphanet 653, MedGen C4048306, MONDO:0019003. Disease mechanism: gain of function.

Allele frequency attached by ClinVar (database versions not stated): TOPMed 0.00002.
gnomAD v4.1: 1 of 1,613,252 alleles (0.000062%); highest among the groups gnomAD compares: Admixed American, 0.0017%; no homozygotes.

Submissions (5):

Labcorp Genetics (formerly Invitae), Labcorp
Classification: Uncertain significance for Multiple endocrine neoplasia, type 2. Last evaluated: 2026-01-27. Review status: criteria provided, single submitter. Criteria: Invitae Variant Classification Sherloc (09022015). Collection method: clinical testing. Allele origin: germline.
Comment: This sequence change replaces serine, which is neutral and polar, with alanine, which is neutral and non-polar, at codon 904 of the RET protein (p.Ser904Ala). This variant is not present in population databases (gnomAD no frequency). This variant has not been reported in the literature in individuals affected with RET-related conditions. ClinVar contains an entry for this variant (Variation ID: 665731). An algorithm developed to predict the effect of missense changes on protein structure and function (PolyPhen-2) suggests that this variant is likely to be disruptive. In summary, the available evidence is currently insufficient to determine the role of this variant in disease. Therefore, it has been classified as a Variant of Uncertain Significance.

Ambry Genetics
Classification: Uncertain significance for Hereditary cancer-predisposing syndrome. Last evaluated: 2025-08-21. Review status: criteria provided, single submitter. Criteria: Ambry Variant Classification Scheme 2023. Collection method: clinical testing. Allele origin: germline.
Comment: The p.S904A variant (also known as c.2710T>G), located in coding exon 15 of the RET gene, results from a T to G substitution at nucleotide position 2710. The serine at codon 904 is replaced by alanine, an amino acid with similar properties. Other alterations at codon 904 have been detected in MEN 2B and medullary thyroid cancer families; however the pathogenicity of these alterations remains unclear (Elisei R et al, J. Clin. Endocrinol. Metab. 2007 Dec; 92(12):4725-9. Menko FH et al, J. Clin. Endocrinol. Metab. 2002 Jan; 87(1):393-7). This amino acid position is highly conserved in available vertebrate species. In addition, the in silico prediction for this alteration is inconclusive. Based on the available evidence, the clinical significance of this variant remains unclear.

All of Us Research Program, National Institutes of Health
Classification: Uncertain significance for Multiple endocrine neoplasia, type 2. Last evaluated: 2024-04-16. Review status: criteria provided, single submitter. Criteria: ACMG Guidelines, 2015. Collection method: clinical testing. Allele origin: germline. Inheritance: Autosomal dominant inheritance. Observed: 4 variant alleles, 4 heterozygotes.
Comment: This missense variant replaces serine with alanine at codon 904 of the RET protein. Computational prediction is inconclusive regarding the impact of this variant on protein structure and function (internally defined REVEL score threshold 0.5 < inconclusive < 0.7, PMID: 27666373). To our knowledge, functional studies have not been reported for this variant. This variant has not been reported in individuals affected with RET-related disorders in the literature. This variant has not been identified in the general population by the Genome Aggregation Database (gnomAD). A different variant affecting the same codon, c.2711C>T (p.Ser904Phe), is considered to be pathogenic (ClinVar Variation ID: 36304), suggesting that Ser at this position is important for protein function. The available evidence is insufficient to determine the role of this variant in disease conclusively. Therefore, this variant is classified as a Variant of Uncertain Significance.

This study involves interpretation of variants in research participants for the purpose of population health screening. Participant phenotype was not available at the time of variant classification. Additional details can be found in publication PMID: 35346344, PMCID: PMC8962531

Daryl Scott Lab, Baylor College of Medicine
Classification: Uncertain significance for RET-related disorder. Last evaluated: 2024-01-01. Review status: criteria provided, single submitter. Criteria: ACMG Guidelines, 2015. Collection method: clinical testing. Allele origin: maternal. Observed: 1 heterozygote.
Comment: PM2, PP3

Fulgent Genetics
Classification: Uncertain significance for Hirschsprung disease, susceptibility to, 1; Familial medullary thyroid carcinoma; Multiple endocrine neoplasia type 2B; Pheochromocytoma; Multiple endocrine neoplasia type 2A. Last evaluated: 2022-01-03. Review status: criteria provided, single submitter. Criteria: ACMG Guidelines, 2015. Collection method: clinical testing. Allele origin: unknown.

Literature cited by the submitters: PubMed 11788682 (cited by Ambry Genetics); PubMed 17895320 (cited by Ambry Genetics); PubMed 21479187 (cited by Ambry Genetics).

NM_020975.6(RET):c.2710T>G (p.Ser904Ala)

Gene: RET (ret proto-oncogene; plus strand). Cytogenetic location: 10q11.21.
Variant type: single nucleotide variant.
Coding change: c.2710T>G on transcript NM_020975.6 (MANE Select); coding-DNA position 2710, T replaced by G.
Protein change: p.Ser904Ala; replaces serine 904 with alanine.
Molecular consequence: missense variant.
Genome position (GRCh38, 1-based): chr10:43,120,183, T>G. VCF-style: chr10-43120183-T-G. GRCh37 (hg19) VCF-style: chr10-43615631-T-G.
Other names: c.2710T>G, p.Ser904Ala (NM_000323.2, NM_001406743.1, NM_001406744.1 and 4 more transcripts); c.1948T>G, p.Ser650Ala (NM_001355216.2); c.2581T>G, p.Ser861Ala (NM_001406761.1, NM_001406762.1, NM_001406764.1); c.2272T>G, p.Ser758Ala (NM_001406773.1, NM_001406771.1); c.2185T>G, p.Ser729Ala (NM_001406774.1); c.1984T>G, p.Ser662Ala (NM_001406775.1, NM_001406776.1, NM_001406777.1 and 1 more transcripts); c.1813T>G, p.Ser605Ala (NM_001406779.1, NM_001406780.1, NM_001406781.1 and 1 more transcripts); c.1261T>G, p.Ser421Ala (NM_001406792.1, NM_001406793.1, NM_001406794.1); and 10 more; short protein forms S650A, S904A, S421A, S758A, S808A, S509A, S560A, S562A.
Identifiers: ClinVar variation 665731 (VCV000665731.17), dbSNP rs1588877711, ClinGen allele CA376557280.